The following is an entry in ClinVar:

NM_000038.6(APC):c.1744-28_1744-17del

Gene: APC (APC regulator of Wnt signaling pathway; plus strand). Cytogenetic location: 5q22.2.
Variant type: Deletion.
Coding change: c.1744-28_1744-17del on transcript NM_000038.6 (MANE Select); 28 bases into the intron before coding-DNA position 1744 through 17 bases into the intron before coding-DNA position 1744, 12 bases deleted (AGATGACCCATA).
Molecular consequence: intron variant.
Genome position (GRCh38, 1-based): chr5:112,834,923-112,834,934, AGATGACCCATA deleted. VCF-style (leftmost placement, unchanged base first): chr5-112834922-TAGATGACCCATA-T. GRCh37 (hg19) VCF-style: chr5-112170619-TAGATGACCCATA-T.
Other names: c.895-28_895-17del (NM_001407470.1, NM_001354906.2); c.592-28_592-17del (NM_001407472.1, NM_001407471.1); c.1798-28_1798-17del (NM_001407447.1, NM_001407448.1, NM_001407449.1 and 1 more transcripts); c.1744-28_1744-17del (NM_001354895.2, NM_001407450.1, NM_001127510.3); c.1495-28_1495-17del (NM_001407456.1, NM_001407457.1, NM_001407455.1 and 1 more transcripts); c.1441-28_1441-17del (NM_001407460.1, NM_001407458.1, NM_001407459.1 and 1 more transcripts); c.1714-28_1714-17del (NM_001407452.1); c.1357-28_1357-17del (NM_001407469.1, NM_001407467.1); and 11 more.
Identifiers: ClinVar variation 3148556 (VCV003148556.2), dbSNP rs2533330134, ClinGen allele CA2825001356.

ClinVar aggregate classification (germline): Likely benign. Review status: criteria provided, multiple submitters, no conflicts (2 of 4 stars). 2 submissions from 2 submitters: Likely benign (2). Last evaluated 2025-10-16.

Conditions:
Familial adenomatous polyposis 1 (FAP1). Also called: POLYPOSIS, ADENOMATOUS INTESTINAL; FAMILIAL ADENOMATOUS POLYPOSIS 1, ATTENUATED. Identifiers: MedGen C2713442, MONDO:0021056, OMIM 175100. Disease mechanism: loss of function.

Submissions (2):

Labcorp Genetics (formerly Invitae), Labcorp
Classification: Likely benign for Familial adenomatous polyposis 1. Last evaluated: 2025-10-16. Review status: criteria provided, single submitter. Criteria: Invitae Variant Classification Sherloc (09022015). Collection method: clinical testing. Allele origin: germline.

Myriad Genetics, Inc.
Classification: Likely benign for Familial adenomatous polyposis 1. Last evaluated: 2024-03-06. Review status: criteria provided, single submitter. Criteria: Myriad Autosomal Dominant, Autosomal Recessive and X-Linked Classification Criteria (2023). Collection method: clinical testing. Allele origin: unknown.
Comment: This variant is considered likely benign. This variant is intronic and is not expected to impact mRNA splicing.